The following is an entry in ClinVar:

NM_007294.4(BRCA1):c.5003T>C (p.Phe1668Ser)

Gene: BRCA1 (BRCA1 DNA repair associated; minus strand). Cytogenetic location: 17q21.31.
Variant type: single nucleotide variant.
Coding change: c.5003T>C on transcript NM_007294.4 (MANE Select); coding-DNA position 5003, T replaced by C.
Protein change: p.Phe1668Ser; replaces phenylalanine 1668 with serine.
Molecular consequence: missense variant. On other transcripts: non-coding transcript variant (1).
Genome position (GRCh38, 1-based): chr17:43,067,679, A>G on the plus strand (T>C on the coding strand, the complement: BRCA1 is on the minus strand). VCF-style: chr17-43067679-A-G. GRCh37 (hg19) VCF-style: chr17-41219696-A-G.
Other names: NM_007294.4(BRCA1):c.5003T>C; p.Phe1668Ser; c.4790T>C, p.Phe1597Ser (NM_001407571.1, NM_001407895.1, NM_001407896.1 and 12 more transcripts); c.5069T>C, p.Phe1690Ser (NM_001407581.1, NM_001407582.1); c.5066T>C, p.Phe1689Ser (NM_001407583.1, NM_001407585.1, NM_001407587.1 and 1 more transcripts); c.5063T>C, p.Phe1688Ser (NM_001407590.1, NM_001407591.1); c.5003T>C, p.Phe1668Ser (NM_001407593.1, NM_001407594.1, NM_001407596.1 and 8 more transcripts); c.5000T>C, p.Phe1667Ser (NM_001407610.1, NM_001407611.1, NM_001407612.1 and 17 more transcripts); and 72 more; short protein forms F1668S, F1689S, F564S, F1621S, F1372S, F1540S, F1555S, F1557S.
Identifiers: ClinVar variation 629251 (VCV000629251.17), dbSNP rs1567772408, ClinGen allele CA10591513.

ClinVar aggregate classification (germline): Uncertain significance. Review status: reviewed by expert panel (3 of 4 stars). 6 submissions from 6 submitters: Uncertain significance (1). 5 of the submissions do not count toward it. Last evaluated 2025-08-18.

Conditions:
Hereditary breast ovarian cancer syndrome. Also called: Hereditary breast and ovarian cancer syndrome (HBOC); Hereditary breast and ovarian cancer; BRCA1- and BRCA2-Associated Hereditary Breast and Ovarian Cancer; Breast and ovarian cancer; Hereditary breast and ovarian cancer syndrome; Hereditary breast and/or ovarian cancer syndrome. Identifiers: Orphanet 145, MedGen C0677776, MeSH D061325, MONDO:0003582. Disease mechanism: loss of function.
BRCA1-related cancer predisposition. Identifiers: MedGen CN377757, MONDO:0700268.
Hereditary cancer-predisposing syndrome. Also called: Hereditary neoplastic syndrome; Tumor predisposition; Hereditary Cancer Syndrome; Neoplastic Syndromes, Hereditary. Identifiers: Orphanet 140162, MedGen C0027672, MeSH D009386, MONDO:0015356.

Submissions (7):

ClinGen ENIGMA BRCA1 and BRCA2 Variant Curation Expert Panel, ClinGen
Classification: Uncertain significance for BRCA1-related cancer predisposition. Last evaluated: 2025-08-18. Review status: reviewed by expert panel. Criteria: CSpec BRCA1/2ACMG Rules Specifications V1.2. Collection method: curation. Allele origin: germline. Inheritance: Autosomal dominant inheritance.
Comment: The c.5003T>C variant in BRCA1 is a missense variant predicted to cause substitution of phenylalanine by serine at amino acid 1668 (p.Phe1668Ser). This variant is absent from gnomAD v2.1 (exomes only, non-cancer subset, read depth ≥25) and gnomAD v3.1 (non-cancer subset, read depth ≥25) (PM2_Supporting met). This BRCA1 missense variant is within a key functional domain and the computational predictor BayesDel (noAF) gives a score of 0.24, indicating impact on BRCA1 function via protein change is unclear (score range 0.15-0.28). A SpliceAI score of 0.04 predicts no impact on splicing (score threshold ≤0.1) (no bioinformatic code is applied). Reported by two calibrated studies to exhibit protein function similar to pathogenic control variants (PMIDs:30209399, 38709234) (PS3 met). In summary, this variant meets the criteria to be classified as a variant of uncertain significance for BRCA1-related cancer predisposition based on the ACMG/AMP criteria applied as specified by the ENIGMA BRCA1/2 VCEP (PM2_supporting, PS3).

Ambry Genetics
Classification: Likely pathogenic for Hereditary cancer-predisposing syndrome. Last evaluated: 2025-09-24. Review status: criteria provided, single submitter. Criteria: Ambry Variant Classification Scheme 2023. Collection method: clinical testing. Allele origin: germline. Not counted in ClinVar's aggregate classification.
Comment: The p.F1668S variant (also known as c.5003T>C), located in coding exon 15 of the BRCA1 gene, results from a T to C substitution at nucleotide position 5003. The phenylalanine at codon 1668 is replaced by serine, an amino acid with highly dissimilar properties. This variant was reported in 1/60,466 breast cancer cases and in 0/53,461 controls (Dorling et al. N Engl J Med. 2021 02;384:428-439). One functional study found that this nucleotide substitution is non-functional in a high-throughput, genome editing, haploid cell survival assay (Findlay GM et al. Nature, 2018 10;562:217-222). A transcriptional activation assay found that this variant had <80% activity relative to wildtype and was, thus, considered deleterious (Fernandes VC et al. J Biol Chem, 2019 04;294:5980-5992). Based on internal structural analysis, p.F1668S is more destabilizing to the BRCT domain than several nearby pathogenic variants (Wu Q et al. Mol Cell, 2016 Feb;61:434-448; Ambry internal data). This variant is considered to be rare based on population cohorts in the Genome Aggregation Database (gnomAD). This amino acid position is highly conserved in available vertebrate species. In addition, this alteration is predicted to be deleterious by in silico analysis. Based on the majority of available evidence to date, this variant is likely to be pathogenic.

Quest Diagnostics Nichols Institute San Juan Capistrano
Classification: Uncertain significance. Last evaluated: 2025-05-28. Review status: criteria provided, single submitter. Criteria: Quest Diagnostics criteria. Collection method: clinical testing. Allele origin: unknown. Not counted in ClinVar's aggregate classification.
Comment: The BRCA1 c.5003T>C (p.Phe1668Ser) variant has been reported in the published literature in an individual affected with breast cancer in a large scale breast cancer association study (PMID: 33471991 (2021), see also LOVD). Assessment of experimental evidence suggests this variant results in abnormal protein function (PMID: 30765603 (2019), 30209399 (2018)). This variant has not been reported in large, multi-ethnic general populations (Genome Aggregation Database). Analysis of this variant using bioinformatics tools for the prediction of the effect of amino acid changes on protein structure and function yielded predictions that this variant is damaging. Based on the available information, we are unable to determine the clinical significance of this variant.

Labcorp Genetics (formerly Invitae), Labcorp
Classification: Uncertain significance for Hereditary breast ovarian cancer syndrome. Last evaluated: 2023-05-25. Review status: criteria provided, single submitter. Criteria: Invitae Variant Classification Sherloc (09022015). Collection method: clinical testing. Allele origin: germline. Not counted in ClinVar's aggregate classification.
Comment: ClinVar contains an entry for this variant (Variation ID: 629251). Advanced modeling performed at Invitae incorporating data from internal and/or published experimental studies (PMID: 30209399) indicates that this missense variant is expected to disrupt BRCA1 function. Experimental studies have shown that this missense change affects BRCA1 function (PMID: 12496477). In summary, the available evidence is currently insufficient to determine the role of this variant in disease. Therefore, it has been classified as a Variant of Uncertain Significance. This variant has not been reported in the literature in individuals affected with BRCA1-related conditions. This sequence change replaces phenylalanine, which is neutral and non-polar, with serine, which is neutral and polar, at codon 1668 of the BRCA1 protein (p.Phe1668Ser). This variant is not present in population databases (gnomAD no frequency).

Color Diagnostics, LLC DBA Color Health
Classification: Uncertain significance for Hereditary cancer-predisposing syndrome. Last evaluated: 2023-05-17. Review status: criteria provided, single submitter. Criteria: ACMG Guidelines, 2015. Collection method: clinical testing. Allele origin: germline. Not counted in ClinVar's aggregate classification.
Comment: This missense variant replaces phenylalanine with serine at codon 1668 of the BRCA1 protein. Computational prediction suggests that this variant may have deleterious impact on protein structure and function (internally defined REVEL score threshold >= 0.7, PMID: 27666373). Functional studies have reported that this variant impacts BRCA1 function in a haploid cell proliferation assay and a transcription activation assay (PMID: 30209399, 30765603). This variant has been detected in a breast cancer case-control meta-analysis in 1/60466 cases and 0/53461 unaffected individuals (PMID: 33471991; Leiden Open Variation Database DB-ID BRCA1_006185). This variant has not been identified in the general population by the Genome Aggregation Database (gnomAD). Although there is a suspicion that this variant may be associated with disease, additional clinical studies are necessary to determine the role of this variant in disease conclusively. Therefore, this variant is classified as a Variant of Uncertain Significance.

Women's Health and Genetics/Laboratory Corporation of America, LabCorp
Classification: Likely pathogenic for Hereditary breast ovarian cancer syndrome. Last evaluated: 2023-02-27. Review status: criteria provided, single submitter. Criteria: LabCorp Variant Classification Summary - May 2015. Collection method: clinical testing. Allele origin: germline. Not counted in ClinVar's aggregate classification.
Comment: Variant summary: BRCA1 c.5003T>C (p.Phe1668Ser) results in a non-conservative amino acid change located in the BRCT domain (IPR001357) of the encoded protein sequence. Five of five in-silico tools predict a damaging effect of the variant on protein function. The variant was absent in 251352 control chromosomes. c.5003T>C has been reported in the literature in individuals affected with Breast Cancer (Dorling_2021, LOVD). At least two functional studies report experimental evidence evaluating an impact on protein function, showing a loss-of-function effect of this variant on homology directed repair (HDR) activity (Findlay_2018) and on transcriptional activation (Fernandes_2019). HDR assays qualify as a recognized gold standard on the basis of updated guidance provided by the ClinGen Sequence Variant Interpretation (SVI) working group. Two submitters have provided clinical-significance assessments for this variant to ClinVar after 2014. One laboratory classified the variant as likely pathogenic, and one classified it as uncertain significance. Based on the evidence outlined above, the variant was classified as likely pathogenic.

Brotman Baty Institute, University of Washington
No classification provided (evidence only). Condition: Breast-ovarian cancer, familial 1. Review status: no classification provided. Collection method: in vitro. Allele origin: not applicable. Functional consequence: functionally_abnormal. Not counted in ClinVar's aggregate classification.
ClinVar note: "not provided" was previously submitted as the classification for the variant. However, the classification appeared to be based only on an observation of functional data so it was converted to no classification on 2025-07-30.

Literature cited by the submitters: PubMed 30209399 (cited by 6 submitters); PubMed 30765603 (cited by 5 submitters); PubMed 26778126 (cited by Ambry Genetics); PubMed 33471991 (cited by 4 submitters); PubMed 12496477 (cited by Labcorp Genetics (formerly Invitae), Labcorp).